The following is an entry in ClinVar:

NM_022042.4(SLC26A1):c.1394G>A (p.Arg465Gln)

Genes: IDUA (alpha-L-iduronidase; plus strand), SLC26A1 (solute carrier family 26 member 1; minus strand). Cytogenetic location: 4p16.3.
Variant type: single nucleotide variant.
Coding change: c.1394G>A on transcript NM_022042.4 (MANE Select); coding-DNA position 1394, G replaced by A.
Protein change: p.Arg465Gln; replaces arginine 465 with glutamine.
Molecular consequence: missense variant. On other transcripts: intron variant (2).
Genome position (GRCh38, 1-based): chr4:989,545, C>T on the plus strand (G>A on the coding strand, the complement: SLC26A1 is on the minus strand). VCF-style: chr4-989545-C-T. GRCh37 (hg19) VCF-style: chr4-983333-C-T.
Other names: c.1394G>A (NM_213613.2); c.1394G>A, p.Arg465Gln (NM_213613.4); c.576+1583G>A (NM_134425.4); c.299+1596C>T (NM_000203.5); short protein forms R465Q.
Identifiers: ClinVar variation 1363882 (VCV001363882.8), dbSNP rs757960404, ClinGen allele CA2801387.

ClinVar aggregate classification (germline): Uncertain significance. Review status: criteria provided, multiple submitters, no conflicts (2 of 4 stars). 3 submissions from 3 submitters: Uncertain significance (3). Last evaluated 2024-11-05.

Conditions:
Inborn genetic diseases. Identifiers: MedGen C0950123, MeSH D030342.
Nephrolithiasis, calcium oxalate. Also called: Calcium oxalate urolithiasis. Identifiers: MedGen C1833683, MONDO:0957318, HP:0008672.

Allele frequency attached by ClinVar (database versions not stated): gnomAD 0.00002 and 0.00003; gnomAD exomes 0.00002 and 0.00003; TOPMed 0.00002; ExAC 0.00027.
gnomAD v4.1: 37 of 1,569,566 alleles (0.0024%); highest among the groups gnomAD compares: East Asian, 0.016%; no homozygotes.

Submissions (3):

Labcorp Genetics (formerly Invitae), Labcorp
Classification: Uncertain significance. Last evaluated: 2024-11-05. Review status: criteria provided, single submitter. Criteria: Invitae Variant Classification Sherloc (09022015). Collection method: clinical testing. Allele origin: germline.
Comment: This sequence change replaces arginine, which is basic and polar, with glutamine, which is neutral and polar, at codon 465 of the SLC26A1 protein (p.Arg465Gln). The frequency data for this variant in the population databases is considered unreliable, as metrics indicate poor data quality at this position in the gnomAD database. This variant has not been reported in the literature in individuals affected with SLC26A1-related conditions. ClinVar contains an entry for this variant (Variation ID: 1363882). Invitae Evidence Modeling of protein sequence and biophysical properties (such as structural, functional, and spatial information, amino acid conservation, physicochemical variation, residue mobility, and thermodynamic stability) indicates that this missense variant is not expected to disrupt SLC26A1 protein function with a negative predictive value of 80%. In summary, the available evidence is currently insufficient to determine the role of this variant in disease. Therefore, it has been classified as a Variant of Uncertain Significance.

Ambry Genetics
Classification: Uncertain significance for Inborn genetic diseases. Last evaluated: 2023-09-29. Review status: criteria provided, single submitter. Criteria: Ambry Variant Classification Scheme 2023. Collection method: clinical testing. Allele origin: germline.

Fulgent Genetics
Classification: Uncertain significance for Nephrolithiasis susceptibility caused by SLC26A1. Last evaluated: 2022-05-13. Review status: criteria provided, single submitter. Criteria: ACMG Guidelines, 2015. Collection method: clinical testing. Allele origin: unknown.